The following is an entry in ClinVar:

NM_004656.4(BAP1):c.227T>C (p.Ile76Thr)

Gene: BAP1 (BRCA1 associated deubiquitinase 1; minus strand). Cytogenetic location: 3p21.1.
Variant type: single nucleotide variant.
Coding change: c.227T>C on transcript NM_004656.4 (MANE Select); coding-DNA position 227, T replaced by C.
Protein change: p.Ile76Thr; replaces isoleucine 76 with threonine.
Molecular consequence: missense variant.
Genome position (GRCh38, 1-based): chr3:52,408,502, A>G on the plus strand (T>C on the coding strand, the complement: BAP1 is on the minus strand). VCF-style: chr3-52408502-A-G. GRCh37 (hg19) VCF-style: chr3-52442518-A-G.
Other names: c.227T>C (LRG_529t1); short protein forms I76T.
Identifiers: ClinVar variation 489632 (VCV000489632.19), dbSNP rs1221534458, ClinGen allele CA353113075.

ClinVar aggregate classification (germline): Conflicting classifications of pathogenicity. Review status: criteria provided, conflicting classifications (1 of 4 stars). 8 submissions from 8 submitters: Uncertain significance (6); Likely benign (2). Last evaluated 2026-02-13.

Conditions:
Hereditary cancer. Identifiers: MedGen C1333600.
Hereditary cancer-predisposing syndrome. Also called: Tumor predisposition; Hereditary Cancer Syndrome; Neoplastic Syndromes, Hereditary; Hereditary neoplastic syndrome. Identifiers: Orphanet 140162, MedGen C0027672, MeSH D009386, MONDO:0015356.
Kury-Isidor syndrome (KURIS). Identifiers: MedGen C5676925, MONDO:0859230, OMIM 619762.
BAP1-related tumor predisposition syndrome (TPDS1). Also called: Tumor susceptibility linked to germline BAP1 mutations; BAP1 tumor predisposition syndrome; COMMON Syndrome; TUMOR PREDISPOSITION SYNDROME 1. Identifiers: Orphanet 289539, MedGen C3280492, MONDO:0013692, OMIM 614327.

Allele frequency attached by ClinVar (database versions not stated): TOPMed 0.00001; gnomAD exomes below 0.00001; gnomAD 0.00001.
gnomAD v4.1: 5 of 1,612,230 alleles (0.00031%); highest among the groups gnomAD compares: Non-Finnish European, 0.00042%; no homozygotes.

Submissions (8):

OLLIN Analises Genomicas, OLLIN
Classification: Uncertain significance for Kury-Isidor syndrome. Last evaluated: 2026-02-13. Review status: criteria provided, single submitter. Criteria: ACMG Guidelines 2015 PMID 25741868. Collection method: clinical testing. Allele origin: germline. Observed: 1 variant allele.
Comment: PP2

Myriad Genetics, Inc.
Classification: Likely benign for BAP1-related tumor predisposition syndrome. Last evaluated: 2026-01-21. Review status: criteria provided, single submitter. Criteria: Myriad Autosomal Dominant, Autosomal Recessive and X-Linked Classification Criteria (2023). Collection method: clinical testing. Allele origin: unknown.
Comment: This variant is considered likely benign. Homozygosity has been confirmed in one or more individuals. As homozygosity for pathogenic variants in this gene is generally assumed to result in embryonic lethality, this variant is unlikely to be pathogenic.

Labcorp Genetics (formerly Invitae), Labcorp
Classification: Uncertain significance for BAP1-related tumor predisposition syndrome. Last evaluated: 2025-12-14. Review status: criteria provided, single submitter. Criteria: Invitae Variant Classification Sherloc (09022015). Collection method: clinical testing. Allele origin: germline.
Comment: This sequence change replaces isoleucine, which is neutral and non-polar, with threonine, which is neutral and polar, at codon 76 of the BAP1 protein (p.Ile76Thr). This variant is not present in population databases (gnomAD no frequency). This variant has not been reported in the literature in individuals affected with BAP1-related conditions. ClinVar contains an entry for this variant (Variation ID: 489632). Invitae Evidence Modeling of protein sequence and biophysical properties (such as structural, functional, and spatial information, amino acid conservation, physicochemical variation, residue mobility, and thermodynamic stability) indicates that this missense variant is not expected to disrupt BAP1 protein function with a negative predictive value of 80%. In summary, the available evidence is currently insufficient to determine the role of this variant in disease. Therefore, it has been classified as a Variant of Uncertain Significance.

Ambry Genetics
Classification: Likely benign for Hereditary cancer-predisposing syndrome. Last evaluated: 2025-03-14. Review status: criteria provided, single submitter. Criteria: Ambry Variant Classification Scheme 2023. Collection method: clinical testing. Allele origin: germline.

Mendelics
Classification: Uncertain significance for Hereditary cancer. Last evaluated: 2024-08-12. Review status: criteria provided, single submitter. Criteria: ACMG Guidelines, 2015. Collection method: clinical testing. Allele origin: unknown.

Baylor Genetics
Classification: Uncertain significance for BAP1-related tumor predisposition syndrome. Last evaluated: 2023-06-15. Review status: criteria provided, single submitter. Criteria: ACMG Guidelines, 2015. Collection method: clinical testing. Allele origin: unknown.

Color Diagnostics, LLC DBA Color Health
Classification: Uncertain significance for Hereditary cancer-predisposing syndrome. Last evaluated: 2019-02-28. Review status: criteria provided, single submitter. Criteria: ACMG Guidelines, 2015. Collection method: clinical testing. Allele origin: germline.

Fulgent Genetics
Classification: Uncertain significance for BAP1-related tumor predisposition syndrome. Last evaluated: 2018-10-31. Review status: criteria provided, single submitter. Criteria: ACMG Guidelines, 2015. Collection method: clinical testing. Allele origin: unknown.

Literature cited by the submitters: PubMed 38969833 (cited by Ambry Genetics).